The following is an entry in ClinVar:

NC_000003.11:g.(?_53736648)_(53845433_?)dup

Gene: CACNA1D (calcium voltage-gated channel subunit alpha1 D; plus strand). Cytogenetic location: 3p21.1.
Variant type: Duplication.
Identifiers: ClinVar variation 2423378 (VCV002423378.4).

ClinVar aggregate classification (germline): Uncertain significance (1 of 4 stars; one submission).

Submission:

Labcorp Genetics (formerly Invitae), Labcorp
Classification: Uncertain significance. Last evaluated: 2022-05-01. Review status: criteria provided, single submitter. Criteria: Invitae Variant Classification Sherloc (09022015). Collection method: clinical testing. Allele origin: germline.
Comment: This variant results in a copy number gain of the genomic region encompassing exon(s) 9-49 of the CACNA1D gene. This region includes the termination codon of the gene. This copy number gain extends beyond the assayed region for this gene and therefore may encompass additional genes. As the precise location of this event is unknown, it may be in tandem or it may be located elsewhere in the genome. This variant has not been reported in the literature in individuals affected with CACNA1D-related conditions. In summary, the available evidence is currently insufficient to determine the role of this variant in disease. Therefore, it has been classified as a Variant of Uncertain Significance.